The following is an entry in ClinVar:

ClinVar aggregate classification (germline): Uncertain significance (1 of 4 stars; one submission).

Conditions:
Epidermolysis bullosa simplex 5B, with muscular dystrophy (EBS5B). Also called: EPIDERMOLYSIS BULLOSA SIMPLEX AND LIMB-GIRDLE MUSCULAR DYSTROPHY; Epidermolysis bullosa simplex with muscular dystrophy. Identifiers: Orphanet 257, MedGen C2931072, MONDO:0009181, OMIM 226670.
Epidermolysis bullosa simplex, Ogna type (EBS5A). Also called: EPIDERMOLYSIS BULLOSA SIMPLEX 5A, OGNA TYPE; Pidermolysis bullosa simplex 5A, Ogna type. Identifiers: Orphanet 79401, MedGen C0432317, MONDO:0007555, OMIM 131950.
Epidermolysis bullosa simplex with nail dystrophy (EBS5D). Identifiers: MedGen C4225309, MONDO:0014661, OMIM 616487.
Autosomal recessive limb-girdle muscular dystrophy type 2Q (LGMDR17). Also called: MUSCULAR DYSTROPHY, LIMB-GIRDLE, AUTOSOMAL RECESSIVE 17. Identifiers: Orphanet 254361, MedGen C3150989, MONDO:0013390, OMIM 613723.
Epidermolysis bullosa simplex 5C, with pyloric atresia (EBS5C). Also called: Epidermolysis bullosa simplex with pyloric atresia; PLEC-Related Epidermolysis Bullosa with Pyloric Atresia; PLEC1-Related Epidermolysis Bullosa with Pyloric Atresia. Identifiers: Orphanet 158684, MedGen C2677349, MONDO:0012807, OMIM 612138.

Allele frequency attached by ClinVar (database versions not stated): gnomAD 0.00001; gnomAD exomes 0.00001; TOPMed 0.00001.
gnomAD v4.1: 11 of 1,607,922 alleles (0.00068%); highest among the groups gnomAD compares: Non-Finnish European, 0.00094%; no homozygotes.

Submission:

Labcorp Genetics (formerly Invitae), Labcorp
Classification: Uncertain significance for Autosomal recessive limb-girdle muscular dystrophy type 2Q; Epidermolysis bullosa simplex, Ogna type; Epidermolysis bullosa simplex with nail dystrophy; Epidermolysis bullosa simplex 5C, with pyloric atresia; Epidermolysis bullosa simplex 5B, with muscular dystrophy. Last evaluated: 2022-07-12. Review status: criteria provided, single submitter. Criteria: Invitae Variant Classification Sherloc (09022015). Collection method: clinical testing. Allele origin: germline.
Comment: This sequence change replaces serine, which is neutral and polar, with phenylalanine, which is neutral and non-polar, at codon 4281 of the PLEC protein (p.Ser4281Phe). This variant is not present in population databases (gnomAD no frequency). This variant has not been reported in the literature in individuals affected with PLEC-related conditions. ClinVar contains an entry for this variant (Variation ID: 1414761). Algorithms developed to predict the effect of missense changes on protein structure and function (SIFT, PolyPhen-2, Align-GVGD) all suggest that this variant is likely to be disruptive. In summary, the available evidence is currently insufficient to determine the role of this variant in disease. Therefore, it has been classified as a Variant of Uncertain Significance.

NM_201384.3(PLEC):c.12761C>T (p.Ser4254Phe)

Gene: PLEC (plectin; minus strand). Cytogenetic location: 8q24.3.
Variant type: single nucleotide variant.
Coding change: c.12761C>T on transcript NM_201384.3 (MANE Select); coding-DNA position 12761, C replaced by T.
Protein change: p.Ser4254Phe; replaces serine 4254 with phenylalanine.
Molecular consequence: missense variant.
Genome position (GRCh38, 1-based): chr8:143,917,060, G>A on the plus strand (C>T on the coding strand, the complement: PLEC is on the minus strand). VCF-style: chr8-143917060-G-A. GRCh37 (hg19) VCF-style: chr8-144991228-G-A.
Other names: c.12842C>T, p.Ser4281Phe (NM_000445.5); c.12719C>T, p.Ser4240Phe (NM_201378.4); c.12695C>T, p.Ser4232Phe (NM_201379.3); c.13172C>T, p.Ser4391Phe (NM_201380.4); c.12665C>T, p.Ser4222Phe (NM_201381.3); c.12761C>T, p.Ser4254Phe (NM_201382.4); c.12773C>T, p.Ser4258Phe (NM_201383.3); short protein forms S4222F, S4281F, S4391F, S4240F, S4254F, S4232F, S4258F.
Identifiers: ClinVar variation 1414761 (VCV001414761.6), dbSNP rs913371011, ClinGen allele CA187606948.
Genomic context (GRCh38, chr8:143,917,060, plus strand): 5'-GTGGGGTCTGACCAGGAGGCCAGCTGGGTCCTGGAGACGGCGGGGCTGATGGGGTAGGAG[G>A]AGGAGGATCCCACCGAGGAGGAACGGGAGCGGAAACCACCGGCGTTGCCCGAGAGCATGT-3'
Protein context (NP_958786.1, residues 4244-4264): RSRSSSVGSS[Ser4254Phe]SYPISPAVSR